The following is an entry in ClinVar:

ClinVar aggregate classification (germline): Uncertain significance (1 of 4 stars; one submission).

Conditions:
Brown-Vialetto-van Laere syndrome 2. Also called: SPINOCEREBELLAR ATAXIA WITH BLINDNESS AND DEAFNESS 2; Riboflavin transporter deficiency type 2. Identifiers: Orphanet 572543, Orphanet 97229, MedGen C3553538, MONDO:0013867, OMIM 614707.

Submission:

Labcorp Genetics (formerly Invitae), Labcorp
Classification: Uncertain significance for Brown-Vialetto-van Laere syndrome 2. Last evaluated: 2021-12-21. Review status: criteria provided, single submitter. Criteria: Invitae Variant Classification Sherloc (09022015). Collection method: clinical testing. Allele origin: germline.
Comment: This sequence change creates a premature translational stop signal (p.Thr427Aspfs*18) in the SLC52A2 gene. While this is not anticipated to result in nonsense mediated decay, it is expected to disrupt the last 19 amino acid(s) of the SLC52A2 protein. This variant is not present in population databases (gnomAD no frequency). This variant has not been reported in the literature in individuals affected with SLC52A2-related conditions. This variant disrupts a region of the SLC52A2 protein in which other variant(s) (p.Cys443Tyr) have been observed in individuals with SLC52A2-related conditions (PMID: 31064337). This suggests that this is a clinically significant region of the protein, and that variants that disrupt it are likely to be disease-causing. In summary, the available evidence is currently insufficient to determine the role of this variant in disease. Therefore, it has been classified as a Variant of Uncertain Significance.

Literature cited by the submitters: PubMed 31064337.

NM_001363118.2(SLC52A2):c.1277dup (p.Thr427fs)

Gene: SLC52A2 (solute carrier family 52 member 2; plus strand). Cytogenetic location: 8q24.3.
Variant type: Duplication.
Coding change: c.1277dup on transcript NM_001363118.2 (MANE Select); coding-DNA position 1277, one base duplicated (C; older notation c.1277dupC).
Protein change: p.Thr427fs; shifts the reading frame from threonine 427.
Molecular consequence: frameshift variant. On other transcripts: non-coding transcript variant (1).
Genome position (GRCh38, 1-based): chr8:144,360,954, C duplicated; the last of 6 consecutive C bases (chr8:144,360,949-144,360,954); duplicating any one gives the same sequence. VCF-style (leftmost placement, unchanged base first): chr8-144360948-T-TC. GRCh37 (hg19) VCF-style: chr8-145584608-T-TC.
Other names: c.1277dup, p.Thr427fs (NM_001253815.2, NM_001253816.2, NM_001363120.2 and 2 more transcripts); c.785dup, p.Thr263fs (NM_001363122.2); c.1013dup, p.Thr339Aspfs (NM_001410949.1); short protein forms T263fs, T427fs.
Identifiers: ClinVar variation 2037059 (VCV002037059.4), dbSNP rs781950790, ClinGen allele CA4938454.